The following is an entry in ClinVar:

NM_006017.3(PROM1):c.694+3G>T

Gene: PROM1 (prominin 1; minus strand). Cytogenetic location: 4p15.32.
Variant type: single nucleotide variant.
Coding change: c.694+3G>T on transcript NM_006017.3 (MANE Select); 3 bases into the intron after coding-DNA position 694, G replaced by T.
Molecular consequence: intron variant.
Genome position (GRCh38, 1-based): chr4:16,024,292, C>A on the plus strand (G>T on the coding strand, the complement: PROM1 is on the minus strand). VCF-style: chr4-16024292-C-A. GRCh37 (hg19) VCF-style: chr4-16025915-C-A.
Other names: c.667+3G>T (NM_001145848.2, NM_001145852.2, NM_001145847.2 and 4 more transcripts); c.694+3G>T (NM_001145850.2, NM_001145849.2).
Identifiers: ClinVar variation 2087288 (VCV002087288.4), dbSNP rs2530589240, ClinGen allele CA2580070903.

ClinVar aggregate classification (germline): Uncertain significance (1 of 4 stars; one submission).

Submission:

Labcorp Genetics (formerly Invitae), Labcorp
Classification: Uncertain significance. Last evaluated: 2023-09-25. Review status: criteria provided, single submitter. Criteria: Invitae Variant Classification Sherloc (09022015). Collection method: clinical testing. Allele origin: germline.
Comment: Variants that disrupt the consensus splice site are a relatively common cause of aberrant splicing (PMID: 17576681, 9536098). Algorithms developed to predict the effect of sequence changes on RNA splicing suggest that this variant may disrupt the consensus splice site. This sequence change falls in intron 6 of the PROM1 gene. It does not directly change the encoded amino acid sequence of the PROM1 protein. It affects a nucleotide within the consensus splice site. This variant is not present in population databases (gnomAD no frequency). This variant has not been reported in the literature in individuals affected with PROM1-related conditions. ClinVar contains an entry for this variant (Variation ID: 2087288). In summary, the available evidence is currently insufficient to determine the role of this variant in disease. Therefore, it has been classified as a Variant of Uncertain Significance.

Literature cited by the submitters: PubMed 17576681; PubMed 9536098.